The following is an entry in ClinVar:

NM_001005388.3(NFASC):c.2765A>G (p.Glu922Gly)

Gene: NFASC (neurofascin; plus strand). Cytogenetic location: 1q32.1.
Variant type: single nucleotide variant.
Coding change: c.2765A>G on transcript NM_001005388.3 (MANE Select); coding-DNA position 2765, A replaced by G.
Protein change: p.Glu922Gly; replaces glutamic acid 922 with glycine.
Molecular consequence: missense variant.
Genome position (GRCh38, 1-based): chr1:204,988,804, A>G. VCF-style: chr1-204988804-A-G. GRCh37 (hg19) VCF-style: chr1-204957932-A-G.
Other names: c.3119A>G, p.Glu1040Gly (NM_001160331.2); c.3074A>G, p.Glu1025Gly (NM_001160332.2, NM_015090.4); c.2753A>G, p.Glu918Gly (NM_001365986.1); c.3086A>G, p.Glu1029Gly (NM_001378329.1); short protein forms E1025G, E1029G, E1040G, E918G, E922G.
Identifiers: ClinVar variation 2570749 (VCV002570749.27), dbSNP rs151067138, ClinGen allele CA1350437.
Genomic context (GRCh38, chr1:204,988,804, plus strand): 5'-CCAGGACGCAGGTGGGCTCTGGGGAAGCCGTCACAGAGGAGTCACCAGCACCCCCGAATG[A>G]AGGTAGGTGCATGGCAGCAGCCCCTGGGGTAAAAGGTCCCAGCTAATTCCGAGGCCTAGA-3'
Protein context (NP_001005388.2, residues 912-932): VTEESPAPPN[Glu922Gly]ATPTAAPPTL

ClinVar aggregate classification (germline): Likely benign (1 of 4 stars; one submission).

Allele frequency attached by ClinVar (database versions not stated): TOPMed 0.00031; ESP Exome Variant Server 0.00038; 1000 Genomes Project 30x 0.00047; 1000 Genomes Project 0.00060; gnomAD exomes 0.00098; ExAC 0.00120; gnomAD 0.00121.
gnomAD v4.1: 1,602 of 1,613,942 alleles (0.099%); highest among the groups gnomAD compares: Non-Finnish European, 0.075%; 4 homozygotes.

Submission:

CeGaT Center for Human Genetics Tuebingen
Classification: Likely benign. Last evaluated: 2023-05-01. Review status: criteria provided, single submitter. Criteria: CeGaT Center For Human Genetics Tuebingen Variant Classification Criteria Version 2. Collection method: clinical testing. Allele origin: germline. Affected: yes. Observed: 1 variant allele.
Comment: NFASC: BS2